The following is an entry in ClinVar:

ClinVar aggregate classification (germline): Likely benign. Review status: criteria provided, multiple submitters, no conflicts (2 of 4 stars). 4 submissions from 4 submitters: Likely benign (4). Last evaluated 2025-05-13.

Conditions:
Distal myopathy with posterior leg and anterior hand involvement. Also called: WILLIAMS DISTAL MYOPATHY. Identifiers: Orphanet 63273, MedGen C3279722, MONDO:0013550, OMIM 614065.
Myofibrillar myopathy 5. Also called: Filaminopathy (type); FILAMINOPATHY, AUTOSOMAL DOMINANT. Identifiers: Orphanet 171445, MedGen C1836050, MONDO:0012289, OMIM 609524.
Hypertrophic cardiomyopathy 26. Also called: Cardiomyopathy, familial hypertrophic, 26. Identifiers: Orphanet 75249, MedGen C4310749, MONDO:0014883, OMIM 617047.
Cardiovascular phenotype. Identifiers: MedGen CN230736.

Allele frequency attached by ClinVar (database versions not stated): gnomAD 0.00001; gnomAD exomes 0.00001; TOPMed 0.00002; ExAC 0.00008.
gnomAD v4.1: 24 of 1,608,640 alleles (0.0015%); highest among the groups gnomAD compares: Admixed American, 0.0034%; no homozygotes.

Submissions (4):

Labcorp Genetics (formerly Invitae), Labcorp
Classification: Likely benign for Distal myopathy with posterior leg and anterior hand involvement; Myofibrillar myopathy 5; Hypertrophic cardiomyopathy 26. Last evaluated: 2025-05-13. Review status: criteria provided, single submitter. Criteria: Invitae Variant Classification Sherloc (09022015). Collection method: clinical testing. Allele origin: germline.

Laboratory of Genetics, Children's Clinical University Hospital Latvia
Classification: Likely benign. Last evaluated: 2025-02-16. Review status: criteria provided, single submitter. Criteria: ACMG Guidelines, 2015. Collection method: clinical testing. Allele origin: germline. Affected: yes.

CeGaT Center for Human Genetics Tuebingen
Classification: Likely benign. Last evaluated: 2022-03-01. Review status: criteria provided, single submitter. Criteria: CeGaT Center For Human Genetics Tuebingen Variant Classification Criteria Version 2. Collection method: clinical testing. Allele origin: germline. Affected: yes. Observed: 1 variant allele.
Comment: FLNC: BP4, BP7

Ambry Genetics
Classification: Likely benign for Cardiovascular phenotype. Last evaluated: 2021-04-19. Review status: criteria provided, single submitter. Criteria: Ambry Variant Classification Scheme 2023. Collection method: clinical testing. Allele origin: germline.

NM_001458.5(FLNC):c.915G>A (p.Ala305=)

Gene: FLNC (filamin C; plus strand). Cytogenetic location: 7q32.1.
Variant type: single nucleotide variant.
Coding change: c.915G>A on transcript NM_001458.5 (MANE Select); coding-DNA position 915, G replaced by A.
Protein change: p.Ala305=; no amino-acid change (alanine 305 retained).
Molecular consequence: synonymous variant.
Genome position (GRCh38, 1-based): chr7:128,837,701, G>A. VCF-style: chr7-128837701-G-A. GRCh37 (hg19) VCF-style: chr7-128477755-G-A.
Other names: c.915G>A, p.Ala305= (NM_001127487.2).
Identifiers: ClinVar variation 1765999 (VCV001765999.30), dbSNP rs752652391, ClinGen allele CA4474166.
Genomic context (GRCh38, chr7:128,837,701, plus strand): 5'-CGAGCCACAGGGCAACACCGTGCTGCAGCCTGCCCACTTCACCGTGCAGACGGTGGACGC[G>A]GGCGTGGGCGAGGTGCTGGTCTACATCGAGGACCCTGAAGGCCACACCGAGGAGGTATGC-3'
Protein context (NP_001449.3, residues 295-315): PAHFTVQTVD[Ala305=]GVGEVLVYIE